The following is an entry in ClinVar:

ClinVar aggregate classification (germline): Uncertain significance (1 of 4 stars; one submission).

gnomAD v4.1: 1 of 1,612,644 alleles (0.000062%); highest among the groups gnomAD compares: Non-Finnish European, 0.000085%; no homozygotes.

Submission:

Labcorp Genetics (formerly Invitae), Labcorp
Classification: Uncertain significance. Last evaluated: 2024-11-21. Review status: criteria provided, single submitter. Criteria: Invitae Variant Classification Sherloc (09022015). Collection method: clinical testing. Allele origin: germline.
Comment: This sequence change replaces proline, which is neutral and non-polar, with leucine, which is neutral and non-polar, at codon 924 of the COL11A2 protein (p.Pro924Leu). This variant is not present in population databases (gnomAD no frequency). This variant has not been reported in the literature in individuals affected with COL11A2-related conditions. Invitae Evidence Modeling of protein sequence and biophysical properties (such as structural, functional, and spatial information, amino acid conservation, physicochemical variation, residue mobility, and thermodynamic stability) indicates that this missense variant is not expected to disrupt COL11A2 protein function with a negative predictive value of 95%. In summary, the available evidence is currently insufficient to determine the role of this variant in disease. Therefore, it has been classified as a Variant of Uncertain Significance.

NM_080680.3(COL11A2):c.2771C>T (p.Pro924Leu)

Gene: COL11A2 (collagen type XI alpha 2 chain; minus strand). Cytogenetic location: 6p21.32.
Variant type: single nucleotide variant.
Coding change: c.2771C>T on transcript NM_080680.3 (MANE Select); coding-DNA position 2771, C replaced by T.
Protein change: p.Pro924Leu; replaces proline 924 with leucine.
Molecular consequence: missense variant.
Genome position (GRCh38, 1-based): chr6:33,173,079, G>A on the plus strand (C>T on the coding strand, the complement: COL11A2 is on the minus strand). VCF-style: chr6-33173079-G-A. GRCh37 (hg19) VCF-style: chr6-33140856-G-A.
Other names: c.725C>T, p.Pro242Leu (NM_001424112.1); c.2450C>T, p.Pro817Leu (NM_080679.3); c.2513C>T, p.Pro838Leu (NM_080681.3); c.2591C>T, p.Pro864Leu (NM_001424108.1); c.1925C>T, p.Pro642Leu (NM_001424109.1); c.1745C>T, p.Pro582Leu (NM_001424110.1, NM_001424111.1); short protein forms P242L, P864L, P642L, P924L, P817L, P582L, P838L.
Identifiers: ClinVar variation 3635251 (VCV003635251.2).
Genomic context (GRCh38, chr6:33,173,079, plus strand): 5'-GCTAGGGTCAGGGGTCCATTCTCTCCTAGGGACAAACCTACCTGAGGTCCCACCACTCCT[G>A]GAGGACCAGGGGGGCCGGTCTTCCCTTGGAAACCCTAGGCGAGGAAGAGAGGAGAATGCA-3'
Protein context (NP_542411.2, residues 914-934): FQGKTGPPGP[Pro924Leu]GVVGPQGAAG